The following is an entry in ClinVar:

NM_173814.6(PRTG):c.1056A>C (p.Gly352=)

Gene: PRTG (protogenin; minus strand). Cytogenetic location: 15q21.3.
Variant type: single nucleotide variant.
Coding change: c.1056A>C on transcript NM_173814.6 (MANE Select); coding-DNA position 1056, A replaced by C.
Protein change: p.Gly352=; no amino-acid change (glycine 352 retained).
Molecular consequence: synonymous variant.
Genome position (GRCh38, 1-based): chr15:55,679,363, T>G on the plus strand (A>C on the coding strand, the complement: PRTG is on the minus strand). VCF-style: chr15-55679363-T-G. GRCh37 (hg19) VCF-style: chr15-55971561-T-G.
Identifiers: ClinVar variation 2645369 (VCV002645369.24), dbSNP rs200938799, ClinGen allele CA7576247.

ClinVar aggregate classification (germline): Likely benign (1 of 4 stars; one submission).

Allele frequency attached by ClinVar (database versions not stated): ExAC 0.00005; gnomAD exomes 0.00010; gnomAD 0.00011; TOPMed 0.00011; ESP Exome Variant Server 0.00017.
gnomAD v4.1: 159 of 1,612,718 alleles (0.0099%); highest among the groups gnomAD compares: Non-Finnish European, 0.013%; no homozygotes.

Submission:

CeGaT Center for Human Genetics Tuebingen
Classification: Likely benign. Last evaluated: 2022-07-01. Review status: criteria provided, single submitter. Criteria: CeGaT Center For Human Genetics Tuebingen Variant Classification Criteria Version 2. Collection method: clinical testing. Allele origin: germline. Affected: yes. Observed: 1 variant allele.
Comment: PRTG: BP4, BP7